The following is an entry in ClinVar:

NM_001101426.4(CRPPA):c.1226A>G (p.Tyr409Cys)

Genes: CRPPA-AS1 (CRPPA antisense RNA 1; plus strand), CRPPA (CDP-L-ribitol pyrophosphorylase A; minus strand). Cytogenetic location: 7p21.2.
Variant type: single nucleotide variant.
Coding change: c.1226A>G on transcript NM_001101426.4 (MANE Select); coding-DNA position 1226, A replaced by G.
Protein change: p.Tyr409Cys; replaces tyrosine 409 with cysteine.
Molecular consequence: missense variant. On other transcripts: non-coding transcript variant (1).
Genome position (GRCh38, 1-based): chr7:16,216,091, T>C on the plus strand (A>G on the coding strand, the complement: CRPPA is on the minus strand). VCF-style: chr7-16216091-T-C. GRCh37 (hg19) VCF-style: chr7-16255716-T-C.
Other names: c.1076A>G, p.Tyr359Cys (NM_001101417.4); c.1121A>G, p.Tyr374Cys (NM_001368197.1); short protein forms Y374C, Y409C, Y359C.
Identifiers: ClinVar variation 950143 (VCV000950143.11), dbSNP rs1325845862, ClinGen allele CA367000955.

ClinVar aggregate classification (germline): Conflicting classifications of pathogenicity. Review status: criteria provided, conflicting classifications (1 of 4 stars). 2 submissions from 2 submitters: Uncertain significance (1); Likely benign (1). Last evaluated 2025-03-18.

Conditions:
Autosomal recessive limb-girdle muscular dystrophy type 2U. Also called: Muscular dystrophy-dystroglycanopathy (limb-girdle), type c, 7; MUSCULAR DYSTROPHY, LIMB-GIRDLE, TYPE 2U. Identifiers: Orphanet 352479, MedGen C5190987, MONDO:0014474, OMIM 616052.
Muscular dystrophy-dystroglycanopathy (congenital with brain and eye anomalies), type A, 7. Also called: WALKER-WARBURG SYNDROME OR MUSCLE-EYE-BRAIN DISEASE, ISPD-RELATED; Congenital muscular dystrophy-dystroglycanopathy with brain and eye anomalies, type A7. Identifiers: Orphanet 899, MedGen C3553330, MONDO:0013835, OMIM 614643.

Allele frequency attached by ClinVar (database versions not stated): gnomAD exomes below 0.00001; gnomAD 0.00001; TOPMed 0.00001.
gnomAD v4.1: 8 of 1,598,414 alleles (0.0005%); highest among the groups gnomAD compares: African/African-American, 0.0027%; no homozygotes.

Submissions (2):

Ambry Genetics
Classification: Likely benign. Last evaluated: 2025-03-18. Review status: criteria provided, single submitter. Criteria: Ambry Variant Classification Scheme 2023. Collection method: clinical testing. Allele origin: germline.

Labcorp Genetics (formerly Invitae), Labcorp
Classification: Uncertain significance for Muscular dystrophy-dystroglycanopathy (congenital with brain and eye anomalies), type A, 7; Autosomal recessive limb-girdle muscular dystrophy type 2U. Last evaluated: 2025-02-10. Review status: criteria provided, single submitter. Criteria: Invitae Variant Classification Sherloc (09022015). Collection method: clinical testing. Allele origin: germline.
Comment: This sequence change replaces tyrosine, which is neutral and polar, with cysteine, which is neutral and slightly polar, at codon 409 of the ISPD protein (p.Tyr409Cys). This variant is present in population databases (no rsID available, gnomAD 0.02%). This variant has not been reported in the literature in individuals affected with ISPD-related conditions. ClinVar contains an entry for this variant (Variation ID: 950143). An algorithm developed to predict the effect of missense changes on protein structure and function outputs the following: PolyPhen-2: "Benign". The cysteine amino acid residue is found in multiple mammalian species, which suggests that this missense change does not adversely affect protein function. In summary, the available evidence is currently insufficient to determine the role of this variant in disease. Therefore, it has been classified as a Variant of Uncertain Significance.